The following is an entry in ClinVar:

GRCh37/hg19 1q21.1-21.2(chr1:146577486-147394506)x1

Genes: ACP6 (acid phosphatase 6, lysophosphatidic; minus strand), BCL9 (BCL9 transcription coactivator; plus strand), CHD1L (chromodomain helicase DNA binding protein 1 like; plus strand), FMO5 (flavin containing dimethylaniline monoxygenase 5; minus strand), GJA5 (gap junction protein alpha 5; minus strand) and 2 more. Cytogenetic location: 1q21.1-21.2.
Variant type: copy number loss.
Change: copy number 1 (one copy instead of two) of chr1:146,577,486-147,394,506 (817.0 kb, GRCh37 coordinates, 1-based), cytogenetic band 1q21.1-21.2.
Identifiers: ClinVar variation 4682504 (VCV004682504.1).

ClinVar aggregate classification (germline): Pathogenic (1 of 4 stars; one submission).

Submission:

Quest Diagnostics Nichols Institute San Juan Capistrano
Classification: Pathogenic. Last evaluated: 2025-05-13. Review status: criteria provided, single submitter. Criteria: ACMG/ClinGen CNV Guidelines, 2019. Collection method: clinical testing. Allele origin: unknown.
Comment: This deletion involves at least seven protein-coding genes. This recurrent deletion (BP3-BP4) is associated with the 1q21.1 deletion syndrome (OMIM 612474; ISCA-37421; Guo 2024), which is associated with a broad range of clinical features. Inheritance from an unaffected or mildly affected parent has been reported (Guo 2024). This copy number variant is classified as pathogenic with incomplete penetrance and variable expressivity. Reference: Guo et al., GeneReviews [2024 Feb 1]. PMID: 21348049